The following is an entry in ClinVar:

NM_020297.4(ABCC9):c.2505+4A>C

Gene: ABCC9 (ATP binding cassette subfamily C member 9; minus strand). Cytogenetic location: 12p12.1.
Variant type: single nucleotide variant.
Coding change: c.2505+4A>C on transcript NM_020297.4 (MANE Select); 4 bases into the intron after coding-DNA position 2505, A replaced by C.
Molecular consequence: intron variant.
Genome position (GRCh38, 1-based): chr12:21,859,582, T>G on the plus strand (A>C on the coding strand, the complement: ABCC9 is on the minus strand). VCF-style: chr12-21859582-T-G. GRCh37 (hg19) VCF-style: chr12-22012516-T-G.
Other names: c.1638+4A>C (NM_001377274.1); c.2505+4A>C (NM_005691.4, NM_001377273.1).
Identifiers: ClinVar variation 1792301 (VCV001792301.7), dbSNP rs987314080, ClinGen allele CA233604106.
Genomic context (GRCh38, chr12:21,859,582, plus strand): 5'-TTAAAGACTCATTTGTCCAGATGGAAGAATGAAATAGAAATAAAAGGGAAGGCCATATTC[T>G]TACCAAAAAGACAATGTTGGTGTTTTGATACAGCGCTCGTGCCACACAGATTCTCTGCCT-3'

ClinVar aggregate classification (germline): Uncertain significance. Review status: criteria provided, multiple submitters, no conflicts (2 of 4 stars). 2 submissions from 2 submitters: Uncertain significance (2). Last evaluated 2025-05-27.

Conditions:
Dilated cardiomyopathy 1O (CMD1O). Also called: CARDIOMYOPATHY, DILATED, WITH VENTRICULAR TACHYCARDIA. Identifiers: Orphanet 154, MedGen C1837839, MONDO:0012062, OMIM 608569.
Cardiovascular phenotype. Identifiers: MedGen CN230736.

Allele frequency attached by ClinVar (database versions not stated): gnomAD 0.00001; gnomAD exomes 0.00001; TOPMed 0.00001.
gnomAD v4.1: 15 of 1,613,314 alleles (0.00093%); highest among the groups gnomAD compares: African/African-American, 0.0013%; no homozygotes.

Submissions (2):

Labcorp Genetics (formerly Invitae), Labcorp
Classification: Uncertain significance for Dilated cardiomyopathy 1O. Last evaluated: 2025-05-27. Review status: criteria provided, single submitter. Criteria: Invitae Variant Classification Sherloc (09022015). Collection method: clinical testing. Allele origin: germline.
Comment: This sequence change falls in intron 20 of the ABCC9 gene. It does not directly change the encoded amino acid sequence of the ABCC9 protein. It affects a nucleotide within the consensus splice site. This variant is present in population databases (no rsID available, gnomAD 0.01%). This variant has not been reported in the literature in individuals affected with ABCC9-related conditions. ClinVar contains an entry for this variant (Variation ID: 1792301). Variants that disrupt the consensus splice site are a relatively common cause of aberrant splicing (PMID: 17576681, 9536098). Algorithms developed to predict the effect of sequence changes on RNA splicing suggest that this variant may disrupt the consensus splice site. In summary, the available evidence is currently insufficient to determine the role of this variant in disease. Therefore, it has been classified as a Variant of Uncertain Significance.

Ambry Genetics
Classification: Uncertain significance for Cardiovascular phenotype. Last evaluated: 2021-06-24. Review status: criteria provided, single submitter. Criteria: Ambry Variant Classification Scheme 2023. Collection method: clinical testing. Allele origin: germline.
Comment: The c.2505+4A>C intronic variant results from an A to C substitution 4 nucleotides after coding exon 20 in the ABCC9 gene. This nucleotide position is well conserved in available vertebrate species. In silico splice site analysis predicts that this alteration may weaken the native splice donor site. Since supporting evidence is limited at this time, the clinical significance of this alteration remains unclear.

Literature cited by the submitters: PubMed 17576681 (cited by Labcorp Genetics (formerly Invitae), Labcorp); PubMed 9536098 (cited by Labcorp Genetics (formerly Invitae), Labcorp).